The following is an entry in ClinVar:

NM_000238.4(KCNH2):c.2878A>C (p.Ser960Arg)

Gene: KCNH2 (potassium voltage-gated channel subfamily H member 2; minus strand). Cytogenetic location: 7q36.1.
Variant type: single nucleotide variant.
Coding change: c.2878A>C on transcript NM_000238.4 (MANE Select); coding-DNA position 2878, A replaced by C.
Protein change: p.Ser960Arg; replaces serine 960 with arginine.
Molecular consequence: missense variant.
Genome position (GRCh38, 1-based): chr7:150,947,693, T>G on the plus strand (A>C on the coding strand, the complement: KCNH2 is on the minus strand). VCF-style: chr7-150947693-T-G. GRCh37 (hg19) VCF-style: chr7-150644781-T-G.
Other names: c.2590A>C, p.Ser864Arg (NM_001406753.1); c.1858A>C, p.Ser620Arg (NM_172057.3); short protein forms S864R, S960R, S620R.
Identifiers: ClinVar variation 3671027 (VCV003671027.1).

ClinVar aggregate classification (germline): Uncertain significance (1 of 4 stars; one submission).

Conditions:
Long QT syndrome (LQTS). Identifiers: MedGen C0023976, MeSH D008133, MONDO:0002442. Disease mechanism: loss of function. Inheritance: Various modes of inheritance.

Submission:

Labcorp Genetics (formerly Invitae), Labcorp
Classification: Uncertain significance for Long QT syndrome. Last evaluated: 2024-05-23. Review status: criteria provided, single submitter. Criteria: Invitae Variant Classification Sherloc (09022015). Collection method: clinical testing. Allele origin: germline.
Comment: This sequence change replaces serine, which is neutral and polar, with arginine, which is basic and polar, at codon 960 of the KCNH2 protein (p.Ser960Arg). This variant is not present in population databases (gnomAD no frequency). This variant has not been reported in the literature in individuals affected with KCNH2-related conditions. An algorithm developed to predict the effect of missense changes on protein structure and function (PolyPhen-2) suggests that this variant is likely to be disruptive. Algorithms developed to predict the effect of sequence changes on RNA splicing suggest that this variant may create or strengthen a splice site. In summary, the available evidence is currently insufficient to determine the role of this variant in disease. Therefore, it has been classified as a Variant of Uncertain Significance.